The following is an entry in ClinVar:

ClinVar aggregate classification (germline): Uncertain significance (1 of 4 stars; one submission).

Conditions:
Acromesomelic dysplasia 1, Maroteaux type (AMD1). Also called: ST. HELENA DYSPLASIA; ACROMESOMELIC DYSPLASIA 1. Identifiers: Orphanet 40, MedGen C1864356, MONDO:0011275, OMIM 602875.
Tall stature-scoliosis-macrodactyly of the great toes syndrome. Also called: Epiphyseal chondrodysplasia, miura type. Identifiers: Orphanet 329191, MedGen C4014690, MONDO:0014401, OMIM 615923.

Allele frequency attached by ClinVar (database versions not stated): gnomAD exomes below 0.00001.
gnomAD v4.1: 1 of 1,613,948 alleles (0.000062%); highest among the groups gnomAD compares: Non-Finnish European, 0.000085%; no homozygotes.

Submission:

Labcorp Genetics (formerly Invitae), Labcorp
Classification: Uncertain significance for Tall stature-scoliosis-macrodactyly of the great toes syndrome; Acromesomelic dysplasia 1, Maroteaux type. Last evaluated: 2023-09-05. Review status: criteria provided, single submitter. Criteria: Invitae Variant Classification Sherloc (09022015). Collection method: clinical testing. Allele origin: germline.
Comment: This sequence change replaces methionine, which is neutral and non-polar, with threonine, which is neutral and polar, at codon 397 of the NPR2 protein (p.Met397Thr). This variant is not present in population databases (gnomAD no frequency). This variant has not been reported in the literature in individuals affected with NPR2-related conditions. Advanced modeling of protein sequence and biophysical properties (such as structural, functional, and spatial information, amino acid conservation, physicochemical variation, residue mobility, and thermodynamic stability) performed at Invitae indicates that this missense variant is not expected to disrupt NPR2 protein function. In summary, the available evidence is currently insufficient to determine the role of this variant in disease. Therefore, it has been classified as a Variant of Uncertain Significance.

NM_003995.4(NPR2):c.1190T>C (p.Met397Thr)

Gene: NPR2 (natriuretic peptide receptor 2; plus strand). Cytogenetic location: 9p13.3.
Variant type: single nucleotide variant.
Coding change: c.1190T>C on transcript NM_003995.4 (MANE Select); coding-DNA position 1190, T replaced by C.
Protein change: p.Met397Thr; replaces methionine 397 with threonine.
Molecular consequence: missense variant.
Genome position (GRCh38, 1-based): chr9:35,800,455, T>C. VCF-style: chr9-35800455-T-C. GRCh37 (hg19) VCF-style: chr9-35800452-T-C.
Other names: c.1190T>C, p.Met397Thr (NM_001378923.1); short protein forms M397T.
Identifiers: ClinVar variation 2944545 (VCV002944545.3), dbSNP rs2491044983, ClinGen allele CA373370722.